The following is an entry in ClinVar:

NM_000789.4(ACE):c.459C>T (p.Thr153=)

Gene: ACE (angiotensin I converting enzyme; plus strand). Cytogenetic location: 17q23.3.
Variant type: single nucleotide variant.
Coding change: c.459C>T on transcript NM_000789.4 (MANE Select); coding-DNA position 459, C replaced by T.
Protein change: p.Thr153=; no amino-acid change (threonine 153 retained).
Molecular consequence: synonymous variant. On other transcripts: intron variant (2).
Genome position (GRCh38, 1-based): chr17:63,479,048, C>T. VCF-style: chr17-63479048-C-T. GRCh37 (hg19) VCF-style: chr17-61556409-C-T.
Other names: c.-198+950C>T (NM_001382701.1); c.182+950C>T (NM_001382700.1).
Identifiers: ClinVar variation 3047091 (VCV003047091.2), dbSNP rs753025383, ClinGen allele CA501176768.

ClinVar aggregate classification (germline): Likely benign (0 of 4 stars; one submission).

Conditions:
ACE-related disorder. Also called: ACE-related disorders; ACE-related condition.

gnomAD v4.1: 29 of 1,613,600 alleles (0.0018%); highest among the groups gnomAD compares: African/African-American, 0.004%; no homozygotes.

Submission:

PreventionGenetics, part of Exact Sciences
Classification: Likely benign for ACE-related condition. Last evaluated: 2023-05-22. Review status: no assertion criteria provided. Collection method: clinical testing. Allele origin: germline.
Comment: This variant is classified as likely benign based on ACMG/AMP sequence variant interpretation guidelines (Richards et al. 2015 PMID: 25741868, with internal and published modifications).